The following is an entry in ClinVar:

ClinVar aggregate classification (germline): Likely benign (1 of 4 stars; one submission).

Conditions:
VWF-related disorder. Also called: VWF-related disorders; VWF-related condition.

gnomAD v4.1: 78 of 1,613,954 alleles (0.0048%); highest among the groups gnomAD compares: Middle Eastern, 0.016%; no homozygotes.

Submission:

PreventionGenetics, part of Exact Sciences
Classification: Likely benign for VWF-related condition. Last evaluated: 2024-10-09. Review status: criteria provided, single submitter. Criteria: ACMG Guidelines, 2015. Collection method: clinical testing. Allele origin: germline.
Comment: This variant is classified as likely benign based on ACMG/AMP sequence variant interpretation guidelines (Richards et al. 2015 PMID: 25741868, with internal and published modifications).

NM_000552.5(VWF):c.7770+7C>T

Gene: VWF (von Willebrand factor; minus strand). Cytogenetic location: 12p13.31.
Variant type: single nucleotide variant.
Coding change: c.7770+7C>T on transcript NM_000552.5 (MANE Select); 7 bases into the intron after coding-DNA position 7770, C replaced by T.
Molecular consequence: intron variant.
Genome position (GRCh38, 1-based): chr12:5,968,120, G>A on the plus strand (C>T on the coding strand, the complement: VWF is on the minus strand). VCF-style: chr12-5968120-G-A. GRCh37 (hg19) VCF-style: chr12-6077286-G-A.
Identifiers: ClinVar variation 4978185 (VCV004978185.1).